The following is an entry in ClinVar:

ClinVar aggregate classification (germline): Uncertain significance (1 of 4 stars; one submission).

gnomAD v4.1: 1 of 1,612,840 alleles (0.000062%); highest among the groups gnomAD compares: Non-Finnish European, 0.000085%; no homozygotes.

Submission:

GeneDx
Classification: Uncertain significance. Last evaluated: 2024-07-14. Review status: criteria provided, single submitter. Criteria: GeneDx Variant Classification Process June 2021. Collection method: clinical testing. Allele origin: germline. Affected: yes.
Comment: In silico analysis supports that this missense variant has a deleterious effect on protein structure/function; Has not been previously published as pathogenic or benign to our knowledge

NM_006035.4(CDC42BPB):c.2596C>T (p.Arg866Cys)

Gene: CDC42BPB (CDC42 binding protein kinase beta; minus strand). Cytogenetic location: 14q32.32.
Variant type: single nucleotide variant.
Coding change: c.2596C>T on transcript NM_006035.4 (MANE Select); coding-DNA position 2596, C replaced by T.
Protein change: p.Arg866Cys; replaces arginine 866 with cysteine.
Molecular consequence: missense variant.
Genome position (GRCh38, 1-based): chr14:102,964,632, G>A on the plus strand (C>T on the coding strand, the complement: CDC42BPB is on the minus strand). VCF-style: chr14-102964632-G-A. GRCh37 (hg19) VCF-style: chr14-103430969-G-A.
Other names: c.2596C>T, p.Arg866Cys (NM_001411054.1); short protein forms R866C.
Identifiers: ClinVar variation 3573674 (VCV003573674.1).